The following is an entry in ClinVar:

ClinVar aggregate classification (germline): Uncertain significance (1 of 4 stars; one submission).

Allele frequency attached by ClinVar (database versions not stated): gnomAD exomes below 0.00001; gnomAD 0.00001; 1000 Genomes Project 0.00020; 1000 Genomes Project 30x 0.00031.
gnomAD v4.1: 2 of 1,613,486 alleles (0.00012%); highest among the groups gnomAD compares: Admixed American, 0.0033%; no homozygotes.

Submission:

Labcorp Genetics (formerly Invitae), Labcorp
Classification: Uncertain significance. Last evaluated: 2022-02-22. Review status: criteria provided, single submitter. Criteria: Invitae Variant Classification Sherloc (09022015). Collection method: clinical testing. Allele origin: germline.
Comment: In summary, the available evidence is currently insufficient to determine the role of this variant in disease. Therefore, it has been classified as a Variant of Uncertain Significance. Algorithms developed to predict the effect of missense changes on protein structure and function are either unavailable or do not agree on the potential impact of this missense change (SIFT: "Deleterious"; PolyPhen-2: "Probably Damaging"; Align-GVGD: "Class C0"). This variant has not been reported in the literature in individuals affected with ALPK1-related conditions. This variant is not present in population databases (gnomAD no frequency). This sequence change replaces serine, which is neutral and polar, with cysteine, which is neutral and slightly polar, at codon 1113 of the ALPK1 protein (p.Ser1113Cys).

NM_025144.4(ALPK1):c.3338C>G (p.Ser1113Cys)

Gene: ALPK1 (alpha kinase 1; plus strand). Cytogenetic location: 4q25.
Variant type: single nucleotide variant.
Coding change: c.3338C>G on transcript NM_025144.4 (MANE Select); coding-DNA position 3338, C replaced by G.
Protein change: p.Ser1113Cys; replaces serine 1113 with cysteine.
Molecular consequence: missense variant.
Genome position (GRCh38, 1-based): chr4:112,438,633, C>G. VCF-style: chr4-112438633-C-G. GRCh37 (hg19) VCF-style: chr4-113359789-C-G.
Other names: c.3338C>G, p.Ser1113Cys (NM_001102406.2); c.3104C>G, p.Ser1035Cys (NM_001253884.2); short protein forms S1113C, S1035C.
Identifiers: ClinVar variation 1922333 (VCV001922333.5), dbSNP rs188643095, ClinGen allele CA103769733.